The following is an entry in ClinVar:

ClinVar aggregate classification (germline): Benign. Review status: criteria provided, multiple submitters, no conflicts (2 of 4 stars). 3 submissions from 3 submitters: Benign (3). Last evaluated 2023-12-01.

Allele frequency attached by ClinVar (database versions not stated): gnomAD exomes 0.00075; ESP Exome Variant Server 0.00302; gnomAD 0.00316; 1000 Genomes Project 30x 0.00484; 1000 Genomes Project 0.00539.
gnomAD v4.1: 928 of 1,613,854 alleles (0.058%); highest among the groups gnomAD compares: African/African-American, 1%; 5 homozygotes.

Submissions (3):

CeGaT Center for Human Genetics Tuebingen
Classification: Benign. Last evaluated: 2023-12-01. Review status: criteria provided, single submitter. Criteria: CeGaT Center For Human Genetics Tuebingen Variant Classification Criteria Version 2. Collection method: clinical testing. Allele origin: germline. Affected: yes. Observed: 1 variant allele.
Comment: NLRP5: BP4, BP7, BS1, BS2

Labcorp Genetics (formerly Invitae), Labcorp
Classification: Benign. Last evaluated: 2019-12-31. Review status: criteria provided, single submitter. Criteria: Invitae Variant Classification Sherloc (09022015). Collection method: clinical testing. Allele origin: germline.

Breakthrough Genomics
Classification: Benign. Review status: criteria provided, single submitter. Criteria: ACMG Guidelines, 2015. Collection method: not provided. Allele origin: germline. Inheritance: Unknown mechanism. Affected: yes.

NM_001433705.1(NLRP5):c.2835C>T (p.Gly945=)

Gene: NLRP5 (NLR family pyrin domain containing 5; plus strand). Cytogenetic location: 19q13.43.
Variant type: single nucleotide variant.
Coding change: c.2835C>T on transcript NM_001433705.1 (MANE Select); coding-DNA position 2835, C replaced by T.
Protein change: p.Gly945=; no amino-acid change (glycine 945 retained).
Molecular consequence: synonymous variant.
Genome position (GRCh38, 1-based): chr19:56,050,448, C>T. VCF-style: chr19-56050448-C-T. GRCh37 (hg19) VCF-style: chr19-56561814-C-T.
Other names: NM_153447.4:c.2988C>T.
Identifiers: ClinVar variation 778872 (VCV000778872.27), dbSNP rs114463101, ClinGen allele CA9686099.